The following is an entry in ClinVar:

ClinVar aggregate classification (germline): Uncertain significance. Review status: criteria provided, multiple submitters, no conflicts (2 of 4 stars). 3 submissions from 3 submitters: Uncertain significance (3). Last evaluated 2025-08-21.

Conditions:
Combined oxidative phosphorylation deficiency 40. Identifiers: Orphanet 570491, MedGen C5394232, MONDO:0030006, OMIM 618835.
Inborn genetic diseases. Identifiers: MedGen C0950123, MeSH D030342.

Allele frequency attached by ClinVar (database versions not stated): gnomAD exomes 0.00005 and 0.00003; gnomAD 0.00006 and 0.00007; TOPMed 0.00006; ExAC 0.00004; ESP Exome Variant Server 0.00008.
gnomAD v4.1: 81 of 1,606,450 alleles (0.005%); highest among the groups gnomAD compares: Middle Eastern, 0.016%; no homozygotes.

Submissions (3):

Labcorp Genetics (formerly Invitae), Labcorp
Classification: Uncertain significance. Last evaluated: 2025-08-21. Review status: criteria provided, single submitter. Criteria: Invitae Variant Classification Sherloc (09022015). Collection method: clinical testing. Allele origin: germline.
Comment: This sequence change replaces leucine, which is neutral and non-polar, with phenylalanine, which is neutral and non-polar, at codon 6 of the QRSL1 protein (p.Leu6Phe). This variant is present in population databases (rs373031772, gnomAD 0.008%). This variant has not been reported in the literature in individuals affected with QRSL1-related conditions. ClinVar contains an entry for this variant (Variation ID: 1460859). Invitae Evidence Modeling of protein sequence and biophysical properties (such as structural, functional, and spatial information, amino acid conservation, physicochemical variation, residue mobility, and thermodynamic stability) indicates that this missense variant is not expected to disrupt QRSL1 protein function with a negative predictive value of 80%. In summary, the available evidence is currently insufficient to determine the role of this variant in disease. Therefore, it has been classified as a Variant of Uncertain Significance.

Ambry Genetics
Classification: Uncertain significance for Inborn genetic diseases. Last evaluated: 2023-08-19. Review status: criteria provided, single submitter. Criteria: Ambry Variant Classification Scheme 2023. Collection method: clinical testing. Allele origin: germline.

Victorian Clinical Genetics Services, Murdoch Childrens Research Institute
Classification: Uncertain significance for Combined oxidative phosphorylation deficiency 40. Last evaluated: 2020-05-21. Review status: criteria provided, single submitter. Criteria: ACMG Guidelines, 2015. Collection method: clinical testing. Allele origin: germline. Inheritance: Autosomal recessive inheritance.
Comment: A heterozygous missense variant was identified, NM_018292.4(QRSL1):c.16C>T in exon 1 of 11 of the QRSL1 gene. This substitution is predicted to create a minor amino acid change from leucine to phenylalanine at position 6 of the protein, NP_060762.3(QRSL1):p.(Leu6Phe). The leucine at this position has very high conservation (100 vertebrates, UCSC), and is located within the Amidase superfamily domain. In silico software predictions of the pathogenicity of this variant are conflicting (Polyphen, SIFT, CADD, Mutation Taster). The variant is present in the gnomAD population database at a frequency of 0.003% (8 heterozygotes, 0 homozygotes). This variant has not been previously reported in clinical cases. Based on information available at the time of curation, this variant has been classified as a VARIANT of UNCERTAIN SIGNIFICANCE (VUS).

NM_018292.5(QRSL1):c.16C>T (p.Leu6Phe)

Genes: QRSL1 (glutaminyl-tRNA amidotransferase subunit QRSL1; plus strand), RTN4IP1 (reticulon 4 interacting protein 1; minus strand), LOC129996910 (ATAC-STARR-seq lymphoblastoid active region 24892; plus strand). Cytogenetic location: 6q21.
Variant type: single nucleotide variant.
Coding change: c.16C>T on transcript NM_018292.5 (MANE Select); coding-DNA position 16, C replaced by T.
Protein change: p.Leu6Phe; replaces leucine 6 with phenylalanine.
Molecular consequence: missense variant. On other transcripts: intron variant (1).
Genome position (GRCh38, 1-based): chr6:106,629,697, C>T. VCF-style: chr6-106629697-C-T. GRCh37 (hg19) VCF-style: chr6-107077572-C-T.
Other names: c.-27+630G>A (NM_001318746.1); short protein forms L6F.
Identifiers: ClinVar variation 1460859 (VCV001460859.10), dbSNP rs373031772, ClinGen allele CA3944639.